The following is an entry in ClinVar:

NM_001849.4(COL6A2):c.826C>T (p.Pro276Ser)

Gene: COL6A2 (collagen type VI alpha 2 chain; plus strand). Cytogenetic location: 21q22.3.
Variant type: single nucleotide variant.
Coding change: c.826C>T on transcript NM_001849.4 (MANE Select); coding-DNA position 826, C replaced by T.
Protein change: p.Pro276Ser; replaces proline 276 with serine.
Molecular consequence: missense variant.
Genome position (GRCh38, 1-based): chr21:46,115,896, C>T. VCF-style: chr21-46115896-C-T. GRCh37 (hg19) VCF-style: chr21-47535810-C-T.
Other names: c.826C>T, p.Pro276Ser (NM_058174.3, NM_058175.3); short protein forms P276S.
Identifiers: ClinVar variation 2743843 (VCV002743843.3), dbSNP rs751337200, ClinGen allele CA410524748.

ClinVar aggregate classification (germline): Uncertain significance (1 of 4 stars; one submission).

Conditions:
Bethlem myopathy 1A. Also called: Bethlem myopathy 1; Bethlem Muscular Dystrophy; MYOPATHY, BENIGN CONGENITAL, WITH CONTRACTURES. Identifiers: Orphanet 610, MedGen CN029274, MONDO:0024530, OMIM 158810.

Submission:

Labcorp Genetics (formerly Invitae), Labcorp
Classification: Uncertain significance for Bethlem myopathy 1A. Last evaluated: 2023-07-16. Review status: criteria provided, single submitter. Criteria: Invitae Variant Classification Sherloc (09022015). Collection method: clinical testing. Allele origin: germline.
Comment: In summary, the available evidence is currently insufficient to determine the role of this variant in disease. Therefore, it has been classified as a Variant of Uncertain Significance. Advanced modeling of protein sequence and biophysical properties (such as structural, functional, and spatial information, amino acid conservation, physicochemical variation, residue mobility, and thermodynamic stability) performed at Invitae indicates that this missense variant is not expected to disrupt COL6A2 protein function. This variant has not been reported in the literature in individuals affected with COL6A2-related conditions. This variant is not present in population databases (gnomAD no frequency). This sequence change replaces proline, which is neutral and non-polar, with serine, which is neutral and polar, at codon 276 of the COL6A2 protein (p.Pro276Ser).